The following is an entry in ClinVar:

ClinVar aggregate classification (germline): Likely benign (1 of 4 stars; one submission).

Submission:

CeGaT Center for Human Genetics Tuebingen
Classification: Likely benign. Last evaluated: 2022-07-01. Review status: criteria provided, single submitter. Criteria: CeGaT Center For Human Genetics Tuebingen Variant Classification Criteria Version 2. Collection method: clinical testing. Allele origin: germline. Affected: yes. Observed: 2 variant alleles.
Comment: HYDIN: BP4, BP7

NM_001270974.2(HYDIN):c.7815C>T (p.Ser2605=)

Gene: HYDIN (HYDIN axonemal central pair apparatus protein; minus strand). Cytogenetic location: 16q22.2.
Variant type: single nucleotide variant.
Coding change: c.7815C>T on transcript NM_001270974.2 (MANE Select); coding-DNA position 7815, C replaced by T.
Protein change: p.Ser2605=; no amino-acid change (serine 2605 retained).
Molecular consequence: synonymous variant.
Genome position (GRCh38, 1-based): chr16:70,918,400, G>A on the plus strand (C>T on the coding strand, the complement: HYDIN is on the minus strand). VCF-style: chr16-70918400-G-A. GRCh37 (hg19) VCF-style: chr16-70952303-G-A.
Identifiers: ClinVar variation 2646743 (VCV002646743.24), dbSNP rs1036570332, ClinGen allele CA283513930.